The following is an entry in ClinVar:

NM_006269.2(RP1):c.172C>T (p.Arg58Cys)

Gene: RP1 (RP1 axonemal microtubule associated; plus strand). Cytogenetic location: 8q12.1.
Variant type: single nucleotide variant.
Coding change: c.172C>T on transcript NM_006269.2 (MANE Select); coding-DNA position 172, C replaced by T.
Protein change: p.Arg58Cys; replaces arginine 58 with cysteine.
Molecular consequence: missense variant.
Genome position (GRCh38, 1-based): chr8:54,621,138, C>T. VCF-style: chr8-54621138-C-T. GRCh37 (hg19) VCF-style: chr8-55533698-C-T.
Other names: c.172C>T, p.Arg58Cys (NM_001375654.1); short protein forms R58C.
Identifiers: ClinVar variation 839385 (VCV000839385.11), dbSNP rs553910154, ClinGen allele CA4751095.

ClinVar aggregate classification (germline): Uncertain significance. Review status: criteria provided, multiple submitters, no conflicts (2 of 4 stars). 5 submissions from 5 submitters: Uncertain significance (5). Last evaluated 2026-02-02.

Conditions:
Inborn genetic diseases. Identifiers: MedGen C0950123, MeSH D030342.
RP1-related disorder. Also called: RP1-related condition.

Allele frequency attached by ClinVar (database versions not stated): ExAC 0.00003; gnomAD exomes 0.00003; gnomAD 0.00011 and 0.00012; 1000 Genomes Project 30x 0.00016; 1000 Genomes Project 0.00020; TOPMed 0.00032.
gnomAD v4.1: 51 of 1,614,178 alleles (0.0032%); highest among the groups gnomAD compares: Admixed American, 0.04%; no homozygotes.

Submissions (5):

Labcorp Genetics (formerly Invitae), Labcorp
Classification: Uncertain significance. Last evaluated: 2026-02-02. Review status: criteria provided, single submitter. Criteria: Invitae Variant Classification Sherloc (09022015). Collection method: clinical testing. Allele origin: germline.
Comment: This sequence change replaces arginine, which is basic and polar, with cysteine, which is neutral and slightly polar, at codon 58 of the RP1 protein (p.Arg58Cys). This variant is present in population databases (rs553910154, gnomAD 0.009%). This missense change has been observed in individual(s) with clinical features of retinitis pigmentosa (internal data). ClinVar contains an entry for this variant (Variation ID: 839385). An algorithm developed to predict the effect of missense changes on protein structure and function (PolyPhen-2) suggests that this variant is likely to be disruptive. In summary, the available evidence is currently insufficient to determine the role of this variant in disease. Therefore, it has been classified as a Variant of Uncertain Significance.

PreventionGenetics, part of Exact Sciences
Classification: Uncertain significance for RP1-related condition. Last evaluated: 2025-05-12. Review status: criteria provided, single submitter. Criteria: ACMG Guidelines, 2015. Collection method: clinical testing. Allele origin: germline.
Comment: The RP1 c.172C>T variant is predicted to result in the amino acid substitution p.Arg58Cys. To our knowledge, this variant has not been reported in the literature. This variant is reported in 0.0087% of alleles in individuals of Latino descent in gnomAD. At this time, the clinical significance of this variant is uncertain due to the absence of conclusive functional and genetic evidence.

Blueprint Genetics
Classification: Uncertain significance. Last evaluated: 2023-05-02. Review status: criteria provided, single submitter. Criteria: ACMG Guidelines, 2015. Collection method: clinical testing. Allele origin: germline.

Ambry Genetics
Classification: Uncertain significance for Inborn genetic diseases. Last evaluated: 2021-08-19. Review status: criteria provided, single submitter. Criteria: Ambry Variant Classification Scheme 2023. Collection method: clinical testing. Allele origin: germline.

GeneDx
Classification: Uncertain significance. Last evaluated: 2020-02-14. Review status: criteria provided, single submitter. Criteria: GeneDx Variant Classification Process June 2021. Collection method: clinical testing. Allele origin: germline. Affected: yes.
Comment: In silico analysis supports that this missense variant has a deleterious effect on protein structure/function; Has not been previously published as pathogenic or benign to our knowledge